The following is an entry in ClinVar:

ClinVar aggregate classification (germline): Pathogenic (1 of 4 stars; one submission).

Conditions:
Hereditary cancer-predisposing syndrome. Also called: Neoplastic Syndromes, Hereditary; Tumor predisposition; Hereditary Cancer Syndrome; Hereditary neoplastic syndrome. Identifiers: Orphanet 140162, MedGen C0027672, MeSH D009386, MONDO:0015356.
Cardiovascular phenotype. Identifiers: MedGen CN230736.

Submission:

Ambry Genetics
Classification: Pathogenic for Cardiovascular phenotype; Hereditary cancer-predisposing syndrome. Last evaluated: 2022-08-29. Review status: criteria provided, single submitter. Criteria: Ambry Variant Classification Scheme 2023. Collection method: clinical testing. Allele origin: germline.
Comment: The c.366delC pathogenic mutation, located in coding exon 4 of the NF1 gene, results from a deletion of one nucleotide at nucleotide position 366, causing a translational frameshift with a predicted alternate stop codon (p.H122Qfs*43). This alteration is expected to result in loss of function by premature protein truncation or nonsense-mediated mRNA decay. As such, this alteration is interpreted as a disease-causing mutation.

NM_001042492.3(NF1):c.366del (p.His122fs)

Gene: NF1 (neurofibromin 1; plus strand). Cytogenetic location: 17q11.2.
Variant type: Deletion.
Coding change: c.366del on transcript NM_001042492.3 (MANE Select); coding-DNA position 366, one base deleted (C; older notation c.366delC).
Protein change: p.His122fs; shifts the reading frame from histidine 122.
Molecular consequence: frameshift variant.
Genome position (GRCh38, 1-based): chr17:31,163,263, C deleted. VCF-style (leftmost placement, unchanged base first): chr17-31163262-AC-A. GRCh37 (hg19) VCF-style: chr17-29490280-AC-A.
Other names: c.366delC (NM_000267.3); c.366delC, p.His122Glnfs (NM_000267.4); c.366del, p.His122fs (NM_001128147.3); short protein forms H122fs.
Identifiers: ClinVar variation 1733768 (VCV001733768.2), dbSNP rs2544700730, ClinGen allele CA2580092829.
Genomic context (GRCh38, chr17:31,163,262, plus strand): 5'-TGAGATTAGATGAAACGATGCTGGTCAAACAGTTGCTGCCAGAAATCTGCCATTTTCTTC[AC>A]ACCTGTCGTGAAGGAAACCAGCATGCAGCTGAACTTCGGAATTCTGCCTCTGGGGTTTTA-3'